The following is an entry in ClinVar:

NM_000507.4(FBP1):c.568-1G>T

Gene: FBP1 (fructose-bisphosphatase 1; minus strand). Cytogenetic location: 9q22.32.
Variant type: single nucleotide variant.
Coding change: c.568-1G>T on transcript NM_000507.4 (MANE Select); the canonical splice acceptor site of the intron before coding-DNA position 568, G replaced by T.
Molecular consequence: splice acceptor variant.
Genome position (GRCh38, 1-based): chr9:94,606,953, C>A on the plus strand (G>T on the coding strand, the complement: FBP1 is on the minus strand). VCF-style: chr9-94606953-C-A. GRCh37 (hg19) VCF-style: chr9-97369235-C-A.
Other names: c.568-1G>T (NM_001127628.2).
Identifiers: ClinVar variation 3644191 (VCV003644191.2).
Genomic context (GRCh38, chr9:94,606,953, plus strand): 5'-GATTTTACCTTTCTTTTTTATCTTCACATCCTTGTCCACCAAAATGAACTCCCCGATGGC[C>A]TTTTTAGACAAGGAAGGAAAGGTGGAGAGATGACGAGCGCACTGGGTCCCCCAGGCCTGG-3'

ClinVar aggregate classification (germline): Likely pathogenic (1 of 4 stars; one submission).

Conditions:
Fructose-biphosphatase deficiency (FBP1D). Also called: Fructose-1,6-Diphosphatase Deficiency; Fructose 1,6 Bisphosphatase Deficiency; Fructose-1,6-Bisphosphatase 1 Deficiency. Identifiers: Orphanet 348, MedGen C0016756, MONDO:0009251, OMIM 229700.

gnomAD v4.1: 1 of 1,614,100 alleles (0.000062%); highest among the groups gnomAD compares: Non-Finnish European, 0.000085%; no homozygotes.

Submission:

Labcorp Genetics (formerly Invitae), Labcorp
Classification: Likely pathogenic for Fructose-biphosphatase deficiency. Last evaluated: 2024-03-02. Review status: criteria provided, single submitter. Criteria: Invitae Variant Classification Sherloc (09022015). Collection method: clinical testing. Allele origin: germline.
Comment: This sequence change affects an acceptor splice site in intron 4 of the FBP1 gene. It is expected to disrupt RNA splicing. Variants that disrupt the donor or acceptor splice site typically lead to a loss of protein function (PMID: 16199547), and loss-of-function variants in FBP1 are known to be pathogenic (PMID: 9382095, 19259699, 27101822). This variant is not present in population databases (gnomAD no frequency). This variant has not been reported in the literature in individuals affected with FBP1-related conditions. Algorithms developed to predict the effect of sequence changes on RNA splicing suggest that this variant may disrupt the consensus splice site. In summary, the currently available evidence indicates that the variant is pathogenic, but additional data are needed to prove that conclusively. Therefore, this variant has been classified as Likely Pathogenic.

Literature cited by the submitters: PubMed 16199547; PubMed 9382095; PubMed 19259699; PubMed 27101822.